The following is an entry in ClinVar:

NM_004329.3(BMPR1A):c.1375A>G (p.Asn459Asp)

Gene: BMPR1A (bone morphogenetic protein receptor type 1A; plus strand). Cytogenetic location: 10q23.2.
Variant type: single nucleotide variant.
Coding change: c.1375A>G on transcript NM_004329.3 (MANE Select); coding-DNA position 1375, A replaced by G.
Protein change: p.Asn459Asp; replaces asparagine 459 with aspartic acid.
Molecular consequence: missense variant. On other transcripts: non-coding transcript variant (3).
Genome position (GRCh38, 1-based): chr10:86,923,408, A>G. VCF-style: chr10-86923408-A-G. GRCh37 (hg19) VCF-style: chr10-88683165-A-G.
Other names: c.1450A>G, p.Asn484Asp (NM_001406559.1); c.1423A>G, p.Asn475Asp (NM_001406560.1); c.1375A>G, p.Asn459Asp (NM_001406561.1, NM_001406562.1, NM_001406563.1 and 19 more transcripts); c.1369A>G, p.Asn457Asp (NM_001406583.1); c.1291A>G, p.Asn431Asp (NM_001406584.1, NM_001406585.1, NM_001406586.1 and 2 more transcripts); c.1033A>G, p.Asn345Asp (NM_001406589.1); short protein forms N345D, N431D, N457D, N459D, N475D, N484D.
Identifiers: ClinVar variation 4855993 (VCV004855993.1).

ClinVar aggregate classification (germline): Uncertain significance (1 of 4 stars; one submission).

Conditions:
Polyposis syndrome, hereditary mixed, 2. Identifiers: Orphanet 157794, MedGen C1864730, MONDO:0012405, OMIM 610069.

Submission:

3billion
Classification: Uncertain significance for Polyposis syndrome, hereditary mixed, 2. Last evaluated: 2025-06-24. Review status: criteria provided, single submitter. Criteria: ACMG Guidelines, 2015. Collection method: clinical testing. Allele origin: germline. Affected: yes.
Comment: The variant is not observed in the gnomAD v4.1.0 dataset. Predicted Consequence/Location: Missense variant. The majority of the known disease-causing variants of this gene are variants expected to result in premature termination of the protein. Damaging effect on gene or gene product predicted by in silico programs is uncertain [REVEL: 0.34 (damaging >=0.6, benign <0.4), 3Cnet: 0.36 (damaging >0.75, benign <0.1)]. Different missense changes at the same codon have been reported as of uncertain significance (ClinVar ID: VCV000632674, VCV003481247; 3billion dataset). Therefore, this variant is classified as VUS according to the recommendation of ACMG/AMP guideline.